The following is an entry in ClinVar:

NM_004522.3(KIF5C):c.-44G>A

Gene: KIF5C (kinesin family member 5C; plus strand). Cytogenetic location: 2q23.1.
Variant type: single nucleotide variant.
Coding change: c.-44G>A on transcript NM_004522.3 (MANE Select); 44 bases upstream of the start codon, G replaced by A.
Molecular consequence: 5 prime UTR variant.
Genome position (GRCh38, 1-based): chr2:148,875,574, G>A. VCF-style: chr2-148875574-G-A. GRCh37 (hg19) VCF-style: chr2-149633143-G-A.
Identifiers: ClinVar variation 383708 (VCV000383708.1), dbSNP rs557953832, ClinGen allele CA1901121.

ClinVar aggregate classification (germline): Benign (1 of 4 stars; one submission).

Allele frequency attached by ClinVar (database versions not stated): gnomAD 0.00002 and 0.00077; TOPMed 0.00017; 1000 Genomes Project 0.00739; 1000 Genomes Project 30x 0.00781; ExAC 0.01326.
gnomAD v4.1: 1,249 of 495,222 alleles (0.25%); highest among the groups gnomAD compares: South Asian, 2.3%; 32 homozygotes.

Submission:

GeneDx
Classification: Benign. Last evaluated: 2016-08-16. Review status: criteria provided, single submitter. Criteria: GeneDx Variant Classification (06012015). Collection method: clinical testing. Allele origin: germline. Affected: yes.
Comment: This variant is considered likely benign or benign based on one or more of the following criteria: it is a conservative change, it occurs at a poorly conserved position in the protein, it is predicted to be benign by multiple in silico algorithms, and/or has population frequency not consistent with disease.